The following is an entry in ClinVar:

NM_017763.6(RNF43):c.1318C>A (p.Pro440Thr)

Gene: RNF43 (ring finger protein 43; minus strand). Cytogenetic location: 17q22.
Variant type: single nucleotide variant.
Coding change: c.1318C>A on transcript NM_017763.6 (MANE Select); coding-DNA position 1318, C replaced by A.
Protein change: p.Pro440Thr; replaces proline 440 with threonine.
Molecular consequence: missense variant.
Genome position (GRCh38, 1-based): chr17:58,358,458, G>T on the plus strand (C>A on the coding strand, the complement: RNF43 is on the minus strand). VCF-style: chr17-58358458-G-T. GRCh37 (hg19) VCF-style: chr17-56435819-G-T.
Other names: c.1318C>A, p.Pro440Thr (NM_001305544.3); c.937C>A, p.Pro313Thr (NM_001305545.2); short protein forms P440T, P313T.
Identifiers: ClinVar variation 1443013 (VCV001443013.8), dbSNP rs150996748, ClinGen allele CA400330290.
Genomic context (GRCh38, chr17:58,358,458, plus strand): 5'-CTGCCAGGTACCCACTGCGTTCTGTGCAATAGCTTTCTCCAGATCCACTGCTGTCAGGGG[G>T]CCTGGCCCGGCGTAGGGGCACTGGGCAAGCAGCAGGGTGCTGTGAGGTGGATTGGAGGTG-3'
Protein context (NP_060233.3, residues 430-450): ACPVPLRRAR[Pro440Thr]PDSSGSGESY

ClinVar aggregate classification (germline): Uncertain significance. Review status: criteria provided, multiple submitters, no conflicts (2 of 4 stars). 2 submissions from 2 submitters: Uncertain significance (2). Last evaluated 2025-06-06.

gnomAD v4.1: 2 of 1,613,948 alleles (0.00012%); no homozygotes.

Submissions (2):

Ambry Genetics
Classification: Uncertain significance. Last evaluated: 2025-06-06. Review status: criteria provided, single submitter. Criteria: Ambry Variant Classification Scheme 2023. Collection method: clinical testing. Allele origin: germline.
Comment: The p.P440T variant (also known as c.1318C>A), located in coding exon 8 of the RNF43 gene, results from a C to A substitution at nucleotide position 1318. The proline at codon 440 is replaced by threonine, an amino acid with highly similar properties. This amino acid position is conserved. In addition, this alteration is predicted to be tolerated by in silico analysis. Based on the available evidence, the clinical significance of this variant remains unclear.

Labcorp Genetics (formerly Invitae), Labcorp
Classification: Uncertain significance. Last evaluated: 2021-10-12. Review status: criteria provided, single submitter. Criteria: Invitae Variant Classification Sherloc (09022015). Collection method: clinical testing. Allele origin: germline.
Comment: In summary, the available evidence is currently insufficient to determine the role of this variant in disease. Therefore, it has been classified as a Variant of Uncertain Significance. Algorithms developed to predict the effect of missense changes on protein structure and function are either unavailable or do not agree on the potential impact of this missense change (SIFT: "Tolerated"; PolyPhen-2: "Possibly Damaging"; Align-GVGD: "Class C0"). This variant has not been reported in the literature in individuals affected with RNF43-related conditions. This variant is not present in population databases (ExAC no frequency). This sequence change replaces proline with threonine at codon 440 of the RNF43 protein (p.Pro440Thr). The proline residue is moderately conserved and there is a small physicochemical difference between proline and threonine.